The following is an entry in ClinVar:

NM_001318852.2(MAPK8IP3):c.748-254C>T

Gene: MAPK8IP3 (mitogen-activated protein kinase 8 interacting protein 3; plus strand). Cytogenetic location: 16p13.3.
Variant type: single nucleotide variant.
Coding change: c.748-254C>T on transcript NM_001318852.2 (MANE Select); 254 bases into the intron before coding-DNA position 748, C replaced by T.
Molecular consequence: intron variant.
Genome position (GRCh38, 1-based): chr16:1,746,775, C>T. VCF-style: chr16-1746775-C-T. GRCh37 (hg19) VCF-style: chr16-1796776-C-T.
Other names: c.745-254C>T (NM_015133.5, NM_001040439.2).
Identifiers: ClinVar variation 2645911 (VCV002645911.24), dbSNP rs2294612, ClinGen allele CA276706326.

ClinVar aggregate classification (germline): Likely benign (1 of 4 stars; one submission).

Allele frequency attached by ClinVar (database versions not stated): 1000 Genomes Project 30x 0.00078; 1000 Genomes Project 0.00100.
gnomAD v4.1: 1,093 of 537,524 alleles (0.2%); highest among the groups gnomAD compares: East Asian, 1.1%; 19 homozygotes.

Submission:

CeGaT Center for Human Genetics Tuebingen
Classification: Likely benign. Last evaluated: 2023-05-01. Review status: criteria provided, single submitter. Criteria: CeGaT Center For Human Genetics Tuebingen Variant Classification Criteria Version 2. Collection method: clinical testing. Allele origin: germline. Affected: yes. Observed: 2 variant alleles.
Comment: MAPK8IP3: BS1